The following is an entry in ClinVar:

NM_001372.4(DNAH9):c.6348_6349delinsTT (p.Arg2116_Lys2117delinsSerTer)

Gene: DNAH9 (dynein axonemal heavy chain 9; plus strand). Cytogenetic location: 17p12.
Variant type: Indel.
Coding change: c.6348_6349delinsTT on transcript NM_001372.4 (MANE Select); coding-DNA positions 6348 to 6349, GA replaced by TT.
Protein change: p.Arg2116_Lys2117delinsSerTer.
Molecular consequence: nonsense.
Genome position (GRCh38, 1-based): chr17:11,745,033-11,745,034, GA replaced by TT. VCF-style: chr17-11745033-GA-TT. GRCh37 (hg19) VCF-style: chr17-11648350-GA-TT.
Identifiers: ClinVar variation 3652845 (VCV003652845.2).

ClinVar aggregate classification (germline): Pathogenic (1 of 4 stars; one submission).

Submission:

Labcorp Genetics (formerly Invitae), Labcorp
Classification: Pathogenic. Last evaluated: 2024-05-09. Review status: criteria provided, single submitter. Criteria: Invitae Variant Classification Sherloc (09022015). Collection method: clinical testing. Allele origin: germline.
Comment: This sequence change creates a premature translational stop signal (p.Arg2116_Lys2117delinsSer*) in the DNAH9 gene. It is expected to result in an absent or disrupted protein product. Loss-of-function variants in DNAH9 are known to be pathogenic (PMID: 30471718). Information on the frequency of this variant in the gnomAD database is not available, as this variant may be reported differently in the database. This variant has not been reported in the literature in individuals affected with DNAH9-related conditions. For these reasons, this variant has been classified as Pathogenic.

Literature cited by the submitters: PubMed 30471718.